The following is an entry in ClinVar:

NM_001378120.1(MBD5):c.4133A>G (p.His1378Arg)

Gene: MBD5 (methyl-CpG binding domain protein 5; plus strand). Cytogenetic location: 2q23.1.
Variant type: single nucleotide variant.
Coding change: c.4133A>G on transcript NM_001378120.1 (MANE Select); coding-DNA position 4133, A replaced by G.
Protein change: p.His1378Arg; replaces histidine 1378 with arginine.
Molecular consequence: missense variant.
Genome position (GRCh38, 1-based): chr2:148,489,765, A>G. VCF-style: chr2-148489765-A-G. GRCh37 (hg19) VCF-style: chr2-149247334-A-G.
Other names: c.3434A>G, p.His1145Arg (NM_018328.5); short protein forms H1145R, H1378R.
Identifiers: ClinVar variation 1496902 (VCV001496902.6), dbSNP rs760629404, ClinGen allele CA1900381.

ClinVar aggregate classification (germline): Uncertain significance (1 of 4 stars; one submission).

Conditions:
Intellectual developmental disorder, autosomal dominant 1. Also called: Intellectual disability, autosomal dominant 1; MBD5 Haploinsufficiency. Identifiers: Orphanet 228402, MedGen C1969562, MONDO:0007974, OMIM 156200.

Allele frequency attached by ClinVar (database versions not stated): gnomAD exomes below 0.00001; gnomAD 0.00001; TOPMed 0.00001.
gnomAD v4.1: 3 of 1,614,052 alleles (0.00019%); highest among the groups gnomAD compares: East Asian, 0.0045%; no homozygotes.

Submission:

Labcorp Genetics (formerly Invitae), Labcorp
Classification: Uncertain significance for Intellectual developmental disorder, autosomal dominant 1. Last evaluated: 2021-07-28. Review status: criteria provided, single submitter. Criteria: Invitae Variant Classification Sherloc (09022015). Collection method: clinical testing. Allele origin: germline.
Comment: In summary, the available evidence is currently insufficient to determine the role of this variant in disease. Therefore, it has been classified as a Variant of Uncertain Significance. Algorithms developed to predict the effect of missense changes on protein structure and function are either unavailable or do not agree on the potential impact of this missense change (SIFT: "Deleterious"; PolyPhen-2: "Not Available"; Align-GVGD: "Class C25"). This variant has not been reported in the literature in individuals affected with MBD5-related conditions. This variant is present in population databases (rs760629404, ExAC 0.01%). This sequence change replaces histidine with arginine at codon 1145 of the MBD5 protein (p.His1145Arg). The histidine residue is highly conserved and there is a small physicochemical difference between histidine and arginine.